The following is an entry in ClinVar:

ClinVar aggregate classification (germline): Uncertain significance (1 of 4 stars; one submission).

Submission:

Labcorp Genetics (formerly Invitae), Labcorp
Classification: Uncertain significance. Last evaluated: 2023-03-14. Review status: criteria provided, single submitter. Criteria: Invitae Variant Classification Sherloc (09022015). Collection method: clinical testing. Allele origin: germline.
Comment: This sequence change replaces arginine, which is basic and polar, with lysine, which is basic and polar, at codon 1173 of the CHD8 protein (p.Arg1173Lys). This variant also falls at the last nucleotide of exon 16, which is part of the consensus splice site for this exon. This variant is not present in population databases (gnomAD no frequency). This variant has not been reported in the literature in individuals affected with CHD8-related conditions. An algorithm developed to predict the effect of missense changes on protein structure and function (PolyPhen-2) suggests that this variant is likely to be disruptive. Variants that disrupt the consensus splice site are a relatively common cause of aberrant splicing (PMID: 17576681, 9536098). Algorithms developed to predict the effect of sequence changes on RNA splicing suggest that this variant may create or strengthen a splice site. In summary, the available evidence is currently insufficient to determine the role of this variant in disease. Therefore, it has been classified as a Variant of Uncertain Significance.

Literature cited by the submitters: PubMed 17576681; PubMed 9536098.

NM_001170629.2(CHD8):c.3518G>A (p.Arg1173Lys)

Gene: CHD8 (chromodomain helicase DNA binding protein 8; minus strand). Cytogenetic location: 14q11.2.
Variant type: single nucleotide variant.
Coding change: c.3518G>A on transcript NM_001170629.2 (MANE Select); coding-DNA position 3518, G replaced by A.
Protein change: p.Arg1173Lys; replaces arginine 1173 with lysine.
Molecular consequence: missense variant.
Genome position (GRCh38, 1-based): chr14:21,403,453, C>T on the plus strand (G>A on the coding strand, the complement: CHD8 is on the minus strand). VCF-style: chr14-21403453-C-T. GRCh37 (hg19) VCF-style: chr14-21871612-C-T.
Other names: c.2681G>A, p.Arg894Lys (NM_020920.4); short protein forms R1173K, R894K.
Identifiers: ClinVar variation 2845780 (VCV002845780.3), dbSNP rs2501902878, ClinGen allele CA388900660.